The following is an entry in ClinVar:

ClinVar aggregate classification (germline): Likely pathogenic (1 of 4 stars; one submission).

Conditions:
Ehlers-Danlos syndrome, type 4 (EDSVASC). Also called: Ehlers-Danlos syndrome vascular type; Ehlers Danlos syndrome, ecchymotic type; Ehlers Danlos syndrome, arterial type; Ehlers Danlos syndrome, Sack-Barabas type; Ehlers-Danlos Syndrome Type IV. Identifiers: Orphanet 286, MedGen C0268338, MONDO:0017314, OMIM 130050.

Submission:

Labcorp Genetics (formerly Invitae), Labcorp
Classification: Likely pathogenic for Ehlers-Danlos syndrome, type 4. Last evaluated: 2023-07-06. Review status: criteria provided, single submitter. Criteria: Invitae Variant Classification Sherloc (09022015). Collection method: clinical testing. Allele origin: germline.
Comment: In summary, the currently available evidence indicates that the variant is pathogenic, but additional data are needed to prove that conclusively. Therefore, this variant has been classified as Likely Pathogenic. This variant disrupts the triple helix domain of COL3A1. Glycine residues within the Gly-Xaa-Yaa repeats of the triple helix domain are required for the structure and stability of fibrillar collagens (PMID: 7695699, 8218237, 19344236). In COL3A1, variants that affect these glycine residues are significantly enriched in individuals with disease (PMID: 24922459, 25758994) compared to the general population (ExAC). Algorithms developed to predict the effect of sequence changes on RNA splicing suggest that this variant may create or strengthen a splice site. Advanced modeling of protein sequence and biophysical properties (such as structural, functional, and spatial information, amino acid conservation, physicochemical variation, residue mobility, and thermodynamic stability) performed at Invitae indicates that this missense variant is expected to disrupt COL3A1 protein function. This variant has not been reported in the literature in individuals affected with COL3A1-related conditions. This variant is not present in population databases (gnomAD no frequency). This sequence change replaces glycine, which is neutral and non-polar, with alanine, which is neutral and non-polar, at codon 531 of the COL3A1 protein (p.Gly531Ala).

Literature cited by the submitters: PubMed 7695699; PubMed 8218237; PubMed 19344236; PubMed 24922459; PubMed 25758994.

NM_000090.4(COL3A1):c.1592G>C (p.Gly531Ala)

Gene: COL3A1 (collagen type III alpha 1 chain; plus strand). Cytogenetic location: 2q32.2.
Variant type: single nucleotide variant.
Coding change: c.1592G>C on transcript NM_000090.4 (MANE Select); coding-DNA position 1592, G replaced by C.
Protein change: p.Gly531Ala; replaces glycine 531 with alanine.
Molecular consequence: missense variant.
Genome position (GRCh38, 1-based): chr2:188,995,774, G>C. VCF-style: chr2-188995774-G-C. GRCh37 (hg19) VCF-style: chr2-189860500-G-C.
Other names: short protein forms G531A.
Identifiers: ClinVar variation 3009715 (VCV003009715.3), dbSNP rs2469133020, ClinGen allele CA349852273.